The following is an entry in ClinVar:

ClinVar aggregate classification (germline): Uncertain significance. Review status: criteria provided, multiple submitters, no conflicts (2 of 4 stars). 2 submissions from 2 submitters: Uncertain significance (2). Last evaluated 2026-01-21.

Conditions:
Inborn genetic diseases. Identifiers: MedGen C0950123, MeSH D030342.

Allele frequency attached by ClinVar (database versions not stated): gnomAD exomes below 0.00001.

Submissions (2):

Ambry Genetics
Classification: Uncertain significance for Inborn genetic diseases. Last evaluated: 2026-01-21. Review status: criteria provided, single submitter. Criteria: Ambry Variant Classification Scheme 2023. Collection method: clinical testing. Allele origin: germline.

Labcorp Genetics (formerly Invitae), Labcorp
Classification: Uncertain significance. Last evaluated: 2025-10-02. Review status: criteria provided, single submitter. Criteria: Invitae Variant Classification Sherloc (09022015). Collection method: clinical testing. Allele origin: germline.
Comment: This sequence change replaces leucine, which is neutral and non-polar, with valine, which is neutral and non-polar, at codon 117 of the KCNC3 protein (p.Leu117Val). This variant is not present in population databases (gnomAD no frequency). This variant has not been reported in the literature in individuals affected with KCNC3-related conditions. ClinVar contains an entry for this variant (Variation ID: 2855680). Invitae Evidence Modeling of protein sequence and biophysical properties (such as structural, functional, and spatial information, amino acid conservation, physicochemical variation, residue mobility, and thermodynamic stability) indicates that this missense variant is expected to disrupt KCNC3 protein function with a positive predictive value of 95%. In summary, the available evidence is currently insufficient to determine the role of this variant in disease. Therefore, it has been classified as a Variant of Uncertain Significance.

NM_004977.3(KCNC3):c.349C>G (p.Leu117Val)

Gene: KCNC3 (potassium voltage-gated channel subfamily C member 3; minus strand). Cytogenetic location: 19q13.33.
Variant type: single nucleotide variant.
Coding change: c.349C>G on transcript NM_004977.3 (MANE Select); coding-DNA position 349, C replaced by G.
Protein change: p.Leu117Val; replaces leucine 117 with valine.
Molecular consequence: missense variant.
Genome position (GRCh38, 1-based): chr19:50,328,734, G>C on the plus strand (C>G on the coding strand, the complement: KCNC3 is on the minus strand). VCF-style: chr19-50328734-G-C. GRCh37 (hg19) VCF-style: chr19-50831991-G-C.
Other names: c.121C>G, p.Leu41Val (NM_001372305.1); c.349C>G (NM_004977.2); short protein forms L117V, L41V.
Identifiers: ClinVar variation 2855680 (VCV002855680.4), dbSNP rs2123546688, ClinGen allele CA406955972.
Genomic context (GRCh38, chr19:50,328,734, plus strand): 5'-AGAAGAACTCGTCGGCGCCCGGGTCGTAGTCGAAGCGTGCCGCCGCCTCGGGCTCCGTCA[G>C]GCCGGCCAGCCGCGTCCCCGGCAGGGTGCGCAGCGTCGAGCGGTACGTCTCATGGCGCAC-3'
Protein context (NP_004968.2, residues 107-127): RTLPGTRLAG[Leu117Val]TEPEAAARFD